The following is an entry in ClinVar:

NM_000051.4(ATM):c.-26T>C

Gene: ATM (ATM serine/threonine kinase; plus strand). Cytogenetic location: 11q22.3.
Variant type: single nucleotide variant.
Coding change: c.-26T>C on transcript NM_000051.4 (MANE Select); 26 bases upstream of the start codon, T replaced by C.
Molecular consequence: 5 prime UTR variant.
Genome position (GRCh38, 1-based): chr11:108,227,599, T>C. VCF-style: chr11-108227599-T-C. GRCh37 (hg19) VCF-style: chr11-108098326-T-C.
Other names: c.-26T>C (NM_001351835.2, NM_001351836.2, NM_001351834.2).
Identifiers: ClinVar variation 3043735 (VCV003043735.2), dbSNP rs2135002968, ClinGen allele CA2615849625.

ClinVar aggregate classification (germline): Likely benign (0 of 4 stars; one submission).

Conditions:
ATM-related disorder. Also called: ATM-related disorders; ATM-related condition.

Allele frequency attached by ClinVar (database versions not stated): gnomAD exomes below 0.00001.
gnomAD v4.1: 1 of 1,601,530 alleles (0.000062%); highest among the groups gnomAD compares: Non-Finnish European, 0.000086%; no homozygotes.

Submission:

PreventionGenetics, part of Exact Sciences
Classification: Likely benign for ATM-related condition. Last evaluated: 2023-02-24. Review status: no assertion criteria provided. Collection method: clinical testing. Allele origin: germline.
Comment: This variant is classified as likely benign based on ACMG/AMP sequence variant interpretation guidelines (Richards et al. 2015 PMID: 25741868, with internal and published modifications).